The following is an entry in ClinVar:

NM_001005361.3(DNM2):c.1370A>G (p.Glu457Gly)

Gene: DNM2 (dynamin 2; plus strand). Cytogenetic location: 19p13.2.
Variant type: single nucleotide variant.
Coding change: c.1370A>G on transcript NM_001005361.3 (MANE Select); coding-DNA position 1370, A replaced by G.
Protein change: p.Glu457Gly; replaces glutamic acid 457 with glycine.
Molecular consequence: missense variant.
Genome position (GRCh38, 1-based): chr19:10,798,520, A>G. VCF-style: chr19-10798520-A-G. GRCh37 (hg19) VCF-style: chr19-10909196-A-G.
Other names: c.1370A>G, p.Glu457Gly (NM_001005360.3, NM_001005362.3, NM_001190716.2 and 1 more transcripts); short protein forms E457G.
Identifiers: ClinVar variation 447271 (VCV000447271.9), dbSNP rs1555711301, ClinGen allele CA404049582.

ClinVar aggregate classification (germline): Uncertain significance. Review status: criteria provided, multiple submitters, no conflicts (2 of 4 stars). 4 submissions from 4 submitters: Uncertain significance (4). Last evaluated 2023-01-11.

Conditions:
Charcot-Marie-Tooth disease dominant intermediate B (CMTDIB). Also called: CHARCOT-MARIE-TOOTH NEUROPATHY, DOMINANT INTERMEDIATE B; Charcot-Marie-Tooth disease dominant intermediate 1; CMT DI1; Charcot-Marie-Tooth disease dominant intermediate I. Identifiers: Orphanet 100044, Orphanet 228179, MedGen C1847902, MONDO:0011674, OMIM 606482.

Allele frequency attached by ClinVar (database versions not stated): TOPMed below 0.00001.

Submissions (4):

Labcorp Genetics (formerly Invitae), Labcorp
Classification: Uncertain significance for Charcot-Marie-Tooth disease dominant intermediate B. Last evaluated: 2023-01-11. Review status: criteria provided, single submitter. Criteria: Invitae Variant Classification Sherloc (09022015). Collection method: clinical testing. Allele origin: germline.
Comment: This sequence change replaces glutamic acid, which is acidic and polar, with glycine, which is neutral and non-polar, at codon 457 of the DNM2 protein (p.Glu457Gly). This variant is not present in population databases (gnomAD no frequency). This variant has not been reported in the literature in individuals affected with DNM2-related conditions. ClinVar contains an entry for this variant (Variation ID: 447271). Advanced modeling of protein sequence and biophysical properties (such as structural, functional, and spatial information, amino acid conservation, physicochemical variation, residue mobility, and thermodynamic stability) has been performed at Invitae for this missense variant, however the output from this modeling did not meet the statistical confidence thresholds required to predict the impact of this variant on DNM2 protein function. In summary, the available evidence is currently insufficient to determine the role of this variant in disease. Therefore, it has been classified as a Variant of Uncertain Significance.

Revvity Omics, Revvity
Classification: Uncertain significance. Last evaluated: 2023-01-03. Review status: criteria provided, single submitter. Criteria: ACMG Guidelines, 2015. Collection method: clinical testing. Allele origin: germline.

GeneDx
Classification: Uncertain significance. Last evaluated: 2017-09-22. Review status: criteria provided, single submitter. Criteria: GeneDx Variant Classification (06012015). Collection method: clinical testing. Allele origin: germline. Affected: yes.
Comment: A variant of uncertain significance has been identified in the DNM2 gene. The E457G variant has notbeen published as a pathogenic variant, nor has it been reported as a benign variant to our knowledge.The E457G variant is not observed in large population cohorts (Lek et al., 2016). The E547G variantis a non-conservative amino acid substitution, which is likely to impact secondary protein structure as these residues differ in polarity, charge, size and/or other properties. Additionally, this substitution occurs at a position that is conserved across species, and in silico analysis predicts this variant is probably damaging to the protein structure and/or function. Based on the currently available information, it is unclear whether this variant is a pathogenic variant or a rare benign variant.

Athena Diagnostics
Classification: Uncertain significance. Last evaluated: 2017-06-08. Review status: criteria provided, single submitter. Criteria: Athena Diagnostics Criteria. Collection method: clinical testing. Allele origin: germline.